The following is an entry in ClinVar:

NM_017849.4(TMEM127):c.141_144del (p.Leu48fs)

Gene: TMEM127 (transmembrane protein 127; minus strand). Cytogenetic location: 2q11.2.
Variant type: Deletion.
Coding change: c.141_144del on transcript NM_017849.4 (MANE Select); coding-DNA positions 141 to 144, 4 bases deleted (CCTC; older notation c.141_144delCCTC).
Protein change: p.Leu48fs; shifts the reading frame from leucine 48.
Molecular consequence: frameshift variant. On other transcripts: intron variant (1).
Genome position (GRCh38, 1-based): chr2:96,265,238-96,265,241, GAGG deleted on the plus strand (CCTC on the coding strand, the reverse complement: TMEM127 is on the minus strand); deleting any 4 consecutive bases within chr2:96,265,238-96,265,242 gives the same sequence; the c. name uses the placement nearest the transcript's 3' end. VCF-style (leftmost placement, unchanged base first): chr2-96265237-CGAGG-C. GRCh37 (hg19) VCF-style: chr2-96930975-CGAGG-C.
Other names: c.141_144del, p.Leu48fs (NM_001193304.3); c.-9+628_-9+631del (NM_001407283.1); c.141_144delCCTC (NM_017849.3); short protein forms L48fs.
Identifiers: ClinVar variation 4185911 (VCV004185911.1).

ClinVar aggregate classification (germline): Pathogenic (1 of 4 stars; one submission).

Conditions:
Hereditary cancer-predisposing syndrome. Also called: Neoplastic Syndromes, Hereditary; Tumor predisposition; Hereditary Cancer Syndrome; Hereditary neoplastic syndrome. Identifiers: Orphanet 140162, MedGen C0027672, MeSH D009386, MONDO:0015356.

Submission:

Ambry Genetics
Classification: Pathogenic for Hereditary cancer-predisposing syndrome. Last evaluated: 2025-08-06. Review status: criteria provided, single submitter. Criteria: Ambry Variant Classification Scheme 2023. Collection method: clinical testing. Allele origin: germline.
Comment: The c.141_144delCCTC pathogenic mutation, located in coding exon 1 of the TMEM127 gene, results from a deletion of 4 nucleotides at nucleotide positions 141 to 144, causing a translational frameshift with a predicted alternate stop codon (p.L48Pfs*32). This variant is considered to be rare based on population cohorts in the Genome Aggregation Database (gnomAD). This alteration is expected to result in loss of function by premature protein truncation or nonsense-mediated mRNA decay. As such, this alteration is interpreted as a disease-causing mutation.